The following is an entry in ClinVar:

NM_001379200.1(TBX1):c.907G>A (p.Gly303Ser)

Gene: TBX1 (T-box transcription factor 1; plus strand). Cytogenetic location: 22q11.21.
Variant type: single nucleotide variant.
Coding change: c.907G>A on transcript NM_001379200.1 (MANE Select); coding-DNA position 907, G replaced by A.
Protein change: p.Gly303Ser; replaces glycine 303 with serine.
Molecular consequence: missense variant.
Genome position (GRCh38, 1-based): chr22:19,765,797, G>A. VCF-style: chr22-19765797-G-A. GRCh37 (hg19) VCF-style: chr22-19753320-G-A.
Other names: c.880G>A, p.Gly294Ser (NM_005992.1, NM_080646.2, NM_080647.1); short protein forms G294S, G303S.
Identifiers: ClinVar variation 4740907 (VCV004740907.1).

ClinVar aggregate classification (germline): Uncertain significance (1 of 4 stars; one submission).

Conditions:
DiGeorge syndrome. Also called: Catch22; THIRD AND FOURTH PHARYNGEAL POUCH SYNDROME. Identifiers: Orphanet 567, MedGen C0012236, MONDO:0008564, OMIM 188400.

Submission:

Labcorp Genetics (formerly Invitae), Labcorp
Classification: Uncertain significance for DiGeorge syndrome. Last evaluated: 2025-09-22. Review status: criteria provided, single submitter. Criteria: Invitae Variant Classification Sherloc (09022015). Collection method: clinical testing. Allele origin: germline.
Comment: This sequence change replaces glycine, which is neutral and non-polar, with serine, which is neutral and polar, at codon 294 of the TBX1 protein (p.Gly294Ser). This variant is not present in population databases (gnomAD no frequency). This variant has not been reported in the literature in individuals affected with TBX1-related conditions. Invitae Evidence Modeling of protein sequence and biophysical properties (such as structural, functional, and spatial information, amino acid conservation, physicochemical variation, residue mobility, and thermodynamic stability) indicates that this missense variant is expected to disrupt TBX1 protein function with a positive predictive value of 80%. In summary, the available evidence is currently insufficient to determine the role of this variant in disease. Therefore, it has been classified as a Variant of Uncertain Significance.